The following is an entry in ClinVar:

NM_000179.3(MSH6):c.1373A>C (p.His458Pro)

Gene: MSH6 (mutS homolog 6; plus strand). Cytogenetic location: 2p16.3.
Variant type: single nucleotide variant.
Coding change: c.1373A>C on transcript NM_000179.3 (MANE Select); coding-DNA position 1373, A replaced by C.
Protein change: p.His458Pro; replaces histidine 458 with proline.
Molecular consequence: missense variant.
Genome position (GRCh38, 1-based): chr2:47,799,356, A>C. VCF-style: chr2-47799356-A-C. GRCh37 (hg19) VCF-style: chr2-48026495-A-C.
Other names: c.983A>C, p.His328Pro (NM_001281492.2); c.467A>C, p.His156Pro (NM_001281493.2, NM_001281494.2, NM_001406811.1 and 6 more transcripts); c.1469A>C, p.His490Pro (NM_001406795.1, NM_001406802.1); c.1373A>C, p.His458Pro (NM_001406796.1, NM_001406798.1, NM_001406800.1 and 4 more transcripts); c.1076A>C, p.His359Pro (NM_001406797.1, NM_001406801.1, NM_001406805.1 and 10 more transcripts); c.848A>C, p.His283Pro (NM_001406799.1, NM_001406806.1, NM_001406807.1); c.1295A>C, p.His432Pro (NM_001406804.1); c.1379A>C, p.His460Pro (NM_001406813.1); and 1 more; short protein forms H402P, H490P, H156P, H283P, H359P, H328P, H432P, H460P.
Identifiers: ClinVar variation 1771091 (VCV001771091.3), dbSNP rs2104339739, ClinGen allele CA346744919.
Genomic context (GRCh38, chr2:47,799,356, plus strand): 5'-TGGATGCTCTTATTGGAGTCAGTGAACTGGGGCTGGTATTCATGAAAGGCAACTGGGCCC[A>C]TTCTGGCTTTCCTGAAATTGCATTTGGCCGTTATTCAGATTCCCTGGTGCAGAAGGGCTA-3'
Protein context (NP_000170.1, residues 448-468): GLVFMKGNWA[His458Pro]SGFPEIAFGR

ClinVar aggregate classification (germline): Uncertain significance. Review status: criteria provided, multiple submitters, no conflicts (2 of 4 stars). 2 submissions from 2 submitters: Uncertain significance (2). Last evaluated 2023-08-15.

Conditions:
Hereditary cancer-predisposing syndrome. Also called: Hereditary Cancer Syndrome; Hereditary neoplastic syndrome; Neoplastic Syndromes, Hereditary; Tumor predisposition. Identifiers: Orphanet 140162, MedGen C0027672, MeSH D009386, MONDO:0015356.
Lynch syndrome. Identifiers: Orphanet 144, MedGen C4552100, MONDO:0005835. Disease mechanism: loss of function.

Submissions (2):

All of Us Research Program, National Institutes of Health
Classification: Uncertain significance for Lynch syndrome. Last evaluated: 2023-08-15. Review status: criteria provided, single submitter. Criteria: ACMG Guidelines, 2015. Collection method: clinical testing. Allele origin: germline. Inheritance: Autosomal dominant inheritance. Observed: 1 variant allele, 1 heterozygote.
Comment: This missense variant replaces histidine with proline at codon 458 of the MSH6 protein. Computational prediction suggests that this variant may have deleterious impact on protein structure and function (internally defined REVEL score threshold >= 0.7, PMID: 27666373). To our knowledge, functional studies have not been reported for this variant. This variant has not been reported in individuals affected with MSH6-related disorders in the literature. This variant has not been identified in the general population by the Genome Aggregation Database (gnomAD). The available evidence is insufficient to determine the role of this variant in disease conclusively. Therefore, this variant is classified as a Variant of Uncertain Significance.

This study involves interpretation of variants in research participants for the purpose of population health screening. Participant phenotype was not available at the time of variant classification. Additional details can be found in publication PMID: 35346344, PMCID: PMC8962531

Ambry Genetics
Classification: Uncertain significance for Hereditary cancer-predisposing syndrome. Last evaluated: 2020-03-18. Review status: criteria provided, single submitter. Criteria: Ambry Variant Classification Scheme 2023. Collection method: clinical testing. Allele origin: germline.
Comment: The p.H458P variant (also known as c.1373A>C), located in coding exon 4 of the MSH6 gene, results from an A to C substitution at nucleotide position 1373. The histidine at codon 458 is replaced by proline, an amino acid with similar properties. This amino acid position is highly conserved in available vertebrate species. In addition, this alteration is predicted to be deleterious by in silico analysis. Since supporting evidence is limited at this time, the clinical significance of this alteration remains unclear.